The following is an entry in ClinVar:

NM_002087.4(GRN):c.393C>T (p.Phe131=)

Gene: GRN (granulin precursor; plus strand). Cytogenetic location: 17q21.31.
Variant type: single nucleotide variant.
Coding change: c.393C>T on transcript NM_002087.4 (MANE Select); coding-DNA position 393, C replaced by T.
Protein change: p.Phe131=; no amino-acid change (phenylalanine 131 retained).
Molecular consequence: synonymous variant.
Genome position (GRCh38, 1-based): chr17:44,350,271, C>T. VCF-style: chr17-44350271-C-T. GRCh37 (hg19) VCF-style: chr17-42427639-C-T.
Identifiers: ClinVar variation 323532 (VCV000323532.16), dbSNP rs149180605, ClinGen allele CA8601872.

ClinVar aggregate classification (germline): Likely benign. Review status: criteria provided, multiple submitters, no conflicts (2 of 4 stars). 2 submissions from 2 submitters: Likely benign (2). Last evaluated 2025-12-01.

Conditions:
Neuronal ceroid lipofuscinosis 11. Also called: GRN-Related Neuronal Ceroid-Lipofuscinosis. Identifiers: Orphanet 314629, Orphanet 79262, MedGen C3539123, MONDO:0013866, OMIM 614706.
GRN-related frontotemporal lobar degeneration with Tdp43 inclusions (FTD2). Also called: DEMENTIA, HEREDITARY DYSPHASIC DISINHIBITION; FRONTOTEMPORAL DEMENTIA WITH TDP43 INCLUSIONS, GRN-RELATED; GRN Frontotemporal Dementia; FRONTOTEMPORAL LOBAR DEGENERATION WITH UBIQUITIN-POSITIVE INCLUSIONS; FTLD-TDP, GRN-RELATED. Identifiers: Orphanet 100070, Orphanet 282, MedGen C1843792, MONDO:0011842, OMIM 607485. Disease mechanism: loss of function.

Allele frequency attached by ClinVar (database versions not stated): 1000 Genomes Project 30x 0.00016.
gnomAD v4.1: 11 of 1,613,912 alleles (0.00068%); highest among the groups gnomAD compares: East Asian, 0.0022%; no homozygotes.

Submissions (2):

CeGaT Center for Human Genetics Tuebingen
Classification: Likely benign. Last evaluated: 2025-12-01. Review status: criteria provided, single submitter. Criteria: CeGaT Center For Human Genetics Tuebingen Variant Classification Criteria Version 2. Collection method: clinical testing. Allele origin: germline. Affected: yes. Observed: 1 variant allele.
Comment: GRN: BP4, BP7

Labcorp Genetics (formerly Invitae), Labcorp
Classification: Likely benign for Neuronal ceroid lipofuscinosis 11; GRN-related frontotemporal lobar degeneration with Tdp43 inclusions. Last evaluated: 2023-10-22. Review status: criteria provided, single submitter. Criteria: Invitae Variant Classification Sherloc (09022015). Collection method: clinical testing. Allele origin: germline.